The following is an entry in ClinVar:

NM_000179.3(MSH6):c.2857G>C (p.Glu953Gln)

Gene: MSH6 (mutS homolog 6; plus strand). Cytogenetic location: 2p16.3.
Variant type: single nucleotide variant.
Coding change: c.2857G>C on transcript NM_000179.3 (MANE Select); coding-DNA position 2857, G replaced by C.
Protein change: p.Glu953Gln; replaces glutamic acid 953 with glutamine.
Molecular consequence: missense variant.
Genome position (GRCh38, 1-based): chr2:47,800,840, G>C. VCF-style: chr2-47800840-G-C. GRCh37 (hg19) VCF-style: chr2-48027979-G-C.
Other names: c.2467G>C, p.Glu823Gln (NM_001281492.2); c.1951G>C, p.Glu651Gln (NM_001281493.2, NM_001281494.2); short protein forms E953Q, E651Q, E823Q.
Identifiers: ClinVar variation 410517 (VCV000410517.8), dbSNP rs753034685, ClinGen allele CA16610927.

ClinVar aggregate classification (germline): Uncertain significance (1 of 4 stars; one submission).

Conditions:
Hereditary nonpolyposis colorectal neoplasms. Identifiers: MedGen C0009405, MeSH D003123.

Submission:

Labcorp Genetics (formerly Invitae), Labcorp
Classification: Uncertain significance for Hereditary nonpolyposis colorectal neoplasms. Last evaluated: 2024-01-04. Review status: criteria provided, single submitter. Criteria: Invitae Variant Classification Sherloc (09022015). Collection method: clinical testing. Allele origin: germline.
Comment: This sequence change replaces glutamic acid, which is acidic and polar, with glutamine, which is neutral and polar, at codon 953 of the MSH6 protein (p.Glu953Gln). This variant is not present in population databases (gnomAD no frequency). This variant has not been reported in the literature in individuals affected with MSH6-related conditions. ClinVar contains an entry for this variant (Variation ID: 410517). Advanced modeling of protein sequence and biophysical properties (such as structural, functional, and spatial information, amino acid conservation, physicochemical variation, residue mobility, and thermodynamic stability) performed at Invitae indicates that this missense variant is not expected to disrupt MSH6 protein function with a negative predictive value of 95%. In summary, the available evidence is currently insufficient to determine the role of this variant in disease. Therefore, it has been classified as a Variant of Uncertain Significance.